The following is an entry in ClinVar:

NM_015213.4(DENND5A):c.1465C>T (p.Arg489Cys)

Gene: DENND5A (DENN domain containing 5A; minus strand). Cytogenetic location: 11p15.4.
Variant type: single nucleotide variant.
Coding change: c.1465C>T on transcript NM_015213.4 (MANE Select); coding-DNA position 1465, C replaced by T.
Protein change: p.Arg489Cys; replaces arginine 489 with cysteine.
Molecular consequence: missense variant. On other transcripts: non-coding transcript variant (1).
Genome position (GRCh38, 1-based): chr11:9,179,064, G>A on the plus strand (C>T on the coding strand, the complement: DENND5A is on the minus strand). VCF-style: chr11-9179064-G-A. GRCh37 (hg19) VCF-style: chr11-9200611-G-A.
Other names: c.1465C>T, p.Arg489Cys (NM_001243254.2, NM_001348748.1); c.1393C>T, p.Arg465Cys (NM_001348749.2); c.1177C>T, p.Arg393Cys (NM_001348750.2); c.1465C>T (NM_015213.3); short protein forms R393C, R465C, R489C.
Identifiers: ClinVar variation 2073065 (VCV002073065.5), dbSNP rs557614928, ClinGen allele CA5877581.

ClinVar aggregate classification (germline): Uncertain significance. Review status: criteria provided, single submitter (1 of 4 stars). 2 submissions from 2 submitters: Uncertain significance (1). 1 of the submissions does not count toward it. Last evaluated 2022-03-19.

Conditions:
DENND5A-related disorder. Also called: DENND5A-related condition.

Allele frequency attached by ClinVar (database versions not stated): ExAC 0.00002; TOPMed 0.00002; gnomAD 0.00004; 1000 Genomes Project 30x 0.00016; 1000 Genomes Project 0.00020.
gnomAD v4.1: 17 of 1,613,736 alleles (0.0011%); highest among the groups gnomAD compares: African/African-American, 0.013%; no homozygotes.

Submissions (2):

Labcorp Genetics (formerly Invitae), Labcorp
Classification: Uncertain significance. Last evaluated: 2022-03-19. Review status: criteria provided, single submitter. Criteria: Invitae Variant Classification Sherloc (09022015). Collection method: clinical testing. Allele origin: germline.
Comment: Algorithms developed to predict the effect of missense changes on protein structure and function are either unavailable or do not agree on the potential impact of this missense change (SIFT: "Deleterious"; PolyPhen-2: "Benign"; Align-GVGD: "Class C0"). This variant has not been reported in the literature in individuals affected with DENND5A-related conditions. This variant is present in population databases (rs557614928, gnomAD 0.02%). This sequence change replaces arginine, which is basic and polar, with cysteine, which is neutral and slightly polar, at codon 489 of the DENND5A protein (p.Arg489Cys). In summary, the available evidence is currently insufficient to determine the role of this variant in disease. Therefore, it has been classified as a Variant of Uncertain Significance.

PreventionGenetics, part of Exact Sciences
Classification: Uncertain significance for DENND5A-related condition. Last evaluated: 2024-02-26. Review status: no assertion criteria provided. Collection method: clinical testing. Allele origin: germline. Not counted in ClinVar's aggregate classification.
Comment: The DENND5A c.1465C>T variant is predicted to result in the amino acid substitution p.Arg489Cys. To our knowledge, this variant has not been reported in the literature. This variant is reported in 0.024% of alleles in individuals of African descent in gnomAD. At this time, the clinical significance of this variant is uncertain due to the absence of conclusive functional and genetic evidence.